The following is an entry in ClinVar:

ClinVar aggregate classification (germline): Uncertain significance (1 of 4 stars; one submission).

Conditions:
Dilated cardiomyopathy 1G (CMD1G). Identifiers: Orphanet 154, MedGen C1858763, MONDO:0011400, OMIM 604145.
Autosomal recessive limb-girdle muscular dystrophy type 2J (LGMDR10). Also called: Limb-girdle muscular dystrophy, type 2J; MUSCULAR DYSTROPHY, LIMB-GIRDLE, AUTOSOMAL RECESSIVE 10. Identifiers: Orphanet 140922, MedGen C1837342, MONDO:0012127, OMIM 608807.

Submission:

Labcorp Genetics (formerly Invitae), Labcorp
Classification: Uncertain significance for Dilated cardiomyopathy 1G; Autosomal recessive limb-girdle muscular dystrophy type 2J. Last evaluated: 2020-02-07. Review status: criteria provided, single submitter. Criteria: Invitae Variant Classification Sherloc (09022015). Collection method: clinical testing. Allele origin: germline.
Comment: This sequence change falls in intron 335 of the TTN gene. It does not directly change the encoded amino acid sequence of the TTN protein, but it affects a nucleotide within the consensus splice site of the intron. This variant is not present in population databases (ExAC no frequency). This variant has not been reported in the literature in individuals with TTN-related conditions. Nucleotide substitutions within the consensus splice site are a relatively common cause of aberrant splicing (PMID: 17576681, 9536098). Algorithms developed to predict the effect of sequence changes on RNA splicing suggest that this variant may disrupt the consensus splice site, but this prediction has not been confirmed by published transcriptional studies. This variant is located in the A band of TTN (PMID: 25589632). Variants in this region may be relevant for cardiac or neuromuscular disorders (PMID: 25589632, 23975875). In summary, the available evidence is currently insufficient to determine the role of this variant in disease. Therefore, it has been classified as a Variant of Uncertain Significance.

Literature cited by the submitters: PubMed 17576681; PubMed 9536098; PubMed 25589632; PubMed 23975875.

NM_001267550.2(TTN):c.91270+4A>G

Genes: TTN (titin; minus strand), TTN-AS1 (TTN antisense RNA 1; plus strand). Cytogenetic location: 2q31.2.
Variant type: single nucleotide variant.
Coding change: c.91270+4A>G on transcript NM_001267550.2 (MANE Select); 4 bases into the intron after coding-DNA position 91270, A replaced by G.
Molecular consequence: intron variant.
Genome position (GRCh38, 1-based): chr2:178,551,626, T>C on the plus strand (A>G on the coding strand, the complement: TTN is on the minus strand). VCF-style: chr2-178551626-T-C. GRCh37 (hg19) VCF-style: chr2-179416353-T-C.
Other names: c.64075+4A>G (NM_003319.4); c.64651+4A>G (NM_133437.4); c.64450+4A>G (NM_133432.3); c.83566+4A>G (NM_133378.4); c.86347+4A>G (NM_001256850.1).
Identifiers: ClinVar variation 957736 (VCV000957736.10), dbSNP rs1699482474, ClinGen allele CA1139657386.